The following is an entry in ClinVar:

NM_004281.4(BAG3):c.1175C>T (p.Thr392Ile)

Gene: BAG3 (BAG cochaperone 3; plus strand). Cytogenetic location: 10q26.11.
Variant type: single nucleotide variant.
Coding change: c.1175C>T on transcript NM_004281.4 (MANE Select); coding-DNA position 1175, C replaced by T.
Protein change: p.Thr392Ile; replaces threonine 392 with isoleucine.
Molecular consequence: missense variant.
Genome position (GRCh38, 1-based): chr10:119,676,729, C>T. VCF-style: chr10-119676729-C-T. GRCh37 (hg19) VCF-style: chr10-121436241-C-T.
Other names: short protein forms T392I.
Identifiers: ClinVar variation 4613748 (VCV004613748.2).

ClinVar aggregate classification (germline): Uncertain significance (1 of 4 stars; one submission).

Conditions:
Cardiovascular phenotype. Identifiers: MedGen CN230736.

gnomAD v4.1: 1 of 1,614,104 alleles (0.000062%); highest among the groups gnomAD compares: South Asian, 0.0011%; no homozygotes.

Submission:

Ambry Genetics
Classification: Uncertain significance for Cardiovascular phenotype. Last evaluated: 2026-09-11. Review status: criteria provided, single submitter. Criteria: Ambry Variant Classification Scheme 2023. Collection method: clinical testing. Allele origin: germline.
Comment: The p.T392I variant (also known as c.1175C>T), located in coding exon 4 of the BAG3 gene, results from a C to T substitution at nucleotide position 1175. The threonine at codon 392 is replaced by isoleucine, an amino acid with similar properties. This amino acid position is conserved. In addition, this alteration is predicted to be tolerated by in silico analysis. Based on the available evidence, the clinical significance of this variant remains unclear.